The following is an entry in ClinVar:

NM_000355.4(TCN2):c.720T>G (p.Phe240Leu)

Gene: TCN2 (transcobalamin 2; plus strand). Cytogenetic location: 22q12.2.
Variant type: single nucleotide variant.
Coding change: c.720T>G on transcript NM_000355.4 (MANE Select); coding-DNA position 720, T replaced by G.
Protein change: p.Phe240Leu; replaces phenylalanine 240 with leucine.
Molecular consequence: missense variant.
Genome position (GRCh38, 1-based): chr22:30,615,440, T>G. VCF-style: chr22-30615440-T-G. GRCh37 (hg19) VCF-style: chr22-31011427-T-G.
Other names: c.639T>G, p.Phe213Leu (NM_001184726.2); short protein forms F213L, F240L.
Identifiers: ClinVar variation 1472017 (VCV001472017.6), dbSNP rs368425204, ClinGen allele CA323233501.

ClinVar aggregate classification (germline): Uncertain significance (1 of 4 stars; one submission).

Conditions:
Transcobalamin II deficiency (TCN2D). Also called: Transcolabamin II deficiency; TC II DEFICIENCY; TCN2 DEFICIENCY. Identifiers: Orphanet 859, MedGen C0342701, MONDO:0010149, OMIM 275350.

gnomAD v4.1: 5 of 1,613,944 alleles (0.00031%); highest among the groups gnomAD compares: African/African-American, 0.0067%; no homozygotes.

Submission:

Labcorp Genetics (formerly Invitae), Labcorp
Classification: Uncertain significance for Transcobalamin II deficiency. Last evaluated: 2025-02-25. Review status: criteria provided, single submitter. Criteria: Invitae Variant Classification Sherloc (09022015). Collection method: clinical testing. Allele origin: germline.
Comment: This sequence change replaces phenylalanine, which is neutral and non-polar, with leucine, which is neutral and non-polar, at codon 240 of the TCN2 protein (p.Phe240Leu). This variant is present in population databases (no rsID available, gnomAD 0.01%). This variant has not been reported in the literature in individuals affected with TCN2-related conditions. ClinVar contains an entry for this variant (Variation ID: 1472017). Invitae Evidence Modeling of protein sequence and biophysical properties (such as structural, functional, and spatial information, amino acid conservation, physicochemical variation, residue mobility, and thermodynamic stability) indicates that this missense variant is not expected to disrupt TCN2 protein function with a negative predictive value of 80%. In summary, the available evidence is currently insufficient to determine the role of this variant in disease. Therefore, it has been classified as a Variant of Uncertain Significance.